The following is an entry in ClinVar:

NM_000520.6(HEXA):c.823A>G (p.Thr275Ala)

Gene: HEXA (hexosaminidase subunit alpha; minus strand). Cytogenetic location: 15q23.
Variant type: single nucleotide variant.
Coding change: c.823A>G on transcript NM_000520.6 (MANE Select); coding-DNA position 823, A replaced by G.
Protein change: p.Thr275Ala; replaces threonine 275 with alanine.
Molecular consequence: missense variant. On other transcripts: non-coding transcript variant (1).
Genome position (GRCh38, 1-based): chr15:72,349,242, T>C on the plus strand (A>G on the coding strand, the complement: HEXA is on the minus strand). VCF-style: chr15-72349242-T-C. GRCh37 (hg19) VCF-style: chr15-72641583-T-C.
Other names: c.856A>G, p.Thr286Ala (NM_001318825.2); short protein forms T286A, T275A.
Identifiers: ClinVar variation 2060381 (VCV002060381.1), dbSNP rs1595799185, ClinGen allele CA393062699.
Genomic context (GRCh38, chr15:72,349,242, plus strand): 5'-TGAGACTGGGATTCACTGGTCCAAAGGTGCCAGAGGGCTCAGACCCAGAGTAGCAAGGAG[T>C]CAGTAATCCAGGGATACCTAAGCCAAGAGAAAACCCCATATGAGTGTCACAAATACATAA-3'
Protein context (NP_000511.2, residues 265-285): SWGPGIPGLL[Thr275Ala]PCYSGSEPSG

ClinVar aggregate classification (germline): Uncertain significance (1 of 4 stars; one submission).

Conditions:
Tay-Sachs disease (TSD). Also called: HEXA DEFICIENCY; GM2 gangliosidosis, type 1; Hexosaminidase alpha-subunit deficiency (variant B); Sphingolipidosis, Tay-Sachs; Hexosaminidase A Deficiency; HEXA Disorders. Identifiers: Orphanet 845, MedGen C0039373, MONDO:0010100, OMIM 272800.

Submission:

Labcorp Genetics (formerly Invitae), Labcorp
Classification: Uncertain significance for Tay-Sachs disease. Last evaluated: 2021-08-26. Review status: criteria provided, single submitter. Criteria: Invitae Variant Classification Sherloc (09022015). Collection method: clinical testing. Allele origin: germline.
Comment: This sequence change replaces threonine with alanine at codon 275 of the HEXA protein (p.Thr275Ala). The threonine residue is highly conserved and there is a small physicochemical difference between threonine and alanine. This variant is not present in population databases (ExAC no frequency). This variant has not been reported in the literature in individuals affected with HEXA-related conditions. Algorithms developed to predict the effect of missense changes on protein structure and function are either unavailable or do not agree on the potential impact of this missense change (SIFT: "Tolerated"; PolyPhen-2: "Possibly Damaging"; Align-GVGD: "Class C0"). In summary, the available evidence is currently insufficient to determine the role of this variant in disease. Therefore, it has been classified as a Variant of Uncertain Significance.